The following is an entry in ClinVar:

ClinVar aggregate classification (germline): Pathogenic. Review status: reviewed by expert panel (3 of 4 stars). 4 submissions from 4 submitters: Pathogenic (1). 3 of the submissions do not count toward it. Last evaluated 2016-09-08.

Conditions:
Hereditary cancer-predisposing syndrome. Also called: Tumor predisposition; Hereditary neoplastic syndrome; Hereditary Cancer Syndrome; Neoplastic Syndromes, Hereditary. Identifiers: Orphanet 140162, MedGen C0027672, MeSH D009386, MONDO:0015356.
Hereditary breast ovarian cancer syndrome. Also called: Hereditary breast and ovarian cancer; Breast and ovarian cancer; BRCA1- and BRCA2-Associated Hereditary Breast and Ovarian Cancer; Hereditary breast and/or ovarian cancer syndrome; Hereditary breast and ovarian cancer syndrome; Hereditary breast and ovarian cancer syndrome (HBOC). Identifiers: Orphanet 145, MedGen C0677776, MeSH D061325, MONDO:0003582. Disease mechanism: loss of function.
Breast-ovarian cancer, familial, susceptibility to, 2 (BROVCA2). Also called: BRCA2 Hereditary Breast and Ovarian Cancer. Identifiers: Orphanet 145, MedGen C2675520, MONDO:0012933, OMIM 612555. Disease mechanism: loss of function.

Submissions (4):

Evidence-based Network for the Interpretation of Germline Mutant Alleles (ENIGMA)
Classification: Pathogenic for Breast-ovarian cancer, familial, susceptibility to, 2. Last evaluated: 2016-09-08. Review status: reviewed by expert panel. Criteria: ENIGMA BRCA1/2 Classification Criteria (2015). Collection method: curation. Allele origin: germline.
Comment: Variant allele predicted to encode a truncated non-functional protein.

Ambry Genetics
Classification: Pathogenic for Hereditary cancer-predisposing syndrome. Last evaluated: 2026-01-29. Review status: criteria provided, single submitter. Criteria: Ambry Variant Classification Scheme 2023. Collection method: clinical testing. Allele origin: germline. Not counted in ClinVar's aggregate classification.
Comment: The p.L2085* pathogenic mutation (also known as c.6254T>G), located in coding exon 10 of the BRCA2 gene, results from a T to G substitution at nucleotide position 6254. This changes the amino acid from a leucine to a stop codon within coding exon 10. This variant is considered to be rare based on population cohorts in the Genome Aggregation Database (gnomAD). This alteration is expected to result in loss of function by premature protein truncation or nonsense-mediated mRNA decay. As such, this alteration is interpreted as a disease-causing mutation.

Labcorp Genetics (formerly Invitae), Labcorp
Classification: Pathogenic for Hereditary breast ovarian cancer syndrome. Last evaluated: 2023-07-24. Review status: criteria provided, single submitter. Criteria: Invitae Variant Classification Sherloc (09022015). Collection method: clinical testing. Allele origin: germline. Not counted in ClinVar's aggregate classification.
Comment: This sequence change creates a premature translational stop signal (p.Leu2085*) in the BRCA2 gene. It is expected to result in an absent or disrupted protein product. Loss-of-function variants in BRCA2 are known to be pathogenic (PMID: 20104584). This variant is not present in population databases (gnomAD no frequency). This variant has not been reported in the literature in individuals affected with BRCA2-related conditions. ClinVar contains an entry for this variant (Variation ID: 219426). For these reasons, this variant has been classified as Pathogenic.

Color Diagnostics, LLC DBA Color Health
Classification: Pathogenic for Hereditary cancer-predisposing syndrome. Last evaluated: 2020-01-15. Review status: criteria provided, single submitter. Criteria: ACMG Guidelines, 2015. Collection method: clinical testing. Allele origin: germline. Not counted in ClinVar's aggregate classification.
Comment: This variant changes 1 nucleotide in exon 11 of the BRCA2 gene, creating a premature translation stop signal. This variant is expected to result in an absent or non-functional protein product. This variant has not been identified in the general population by the Genome Aggregation Database (gnomAD). Loss of BRCA2 function is a known mechanism of disease. Based on the available evidence, this variant is classified as Pathogenic.

Literature cited by the submitters: PubMed 20104584 (cited by Labcorp Genetics (formerly Invitae), Labcorp).

NM_000059.4(BRCA2):c.6254T>G (p.Leu2085Ter)

Gene: BRCA2 (BRCA2 DNA repair associated; plus strand). Cytogenetic location: 13q13.1.
Variant type: single nucleotide variant.
Coding change: c.6254T>G on transcript NM_000059.4 (MANE Select); coding-DNA position 6254, T replaced by G.
Protein change: p.Leu2085Ter; replaces leucine 2085 with a stop codon.
Molecular consequence: nonsense.
Genome position (GRCh38, 1-based): chr13:32,340,609, T>G. VCF-style: chr13-32340609-T-G. GRCh37 (hg19) VCF-style: chr13-32914746-T-G.
Other names: short protein forms L2085*.
Identifiers: ClinVar variation 219426 (VCV000219426.12), dbSNP rs864622082, ClinGen allele CA348847.